The following is an entry in ClinVar:

NM_016382.4(CD244):c.971G>A (p.Arg324Lys)

Gene: CD244 (CD244 molecule; minus strand). Cytogenetic location: 1q23.3.
Variant type: single nucleotide variant.
Coding change: c.971G>A on transcript NM_016382.4 (MANE Select); coding-DNA position 971, G replaced by A.
Protein change: p.Arg324Lys; replaces arginine 324 with lysine.
Molecular consequence: missense variant.
Genome position (GRCh38, 1-based): chr1:160,832,565, C>T on the plus strand (G>A on the coding strand, the complement: CD244 is on the minus strand). VCF-style: chr1-160832565-C-T. GRCh37 (hg19) VCF-style: chr1-160802355-C-T.
Other names: c.986G>A, p.Arg329Lys (NM_001166663.2); c.695G>A, p.Arg232Lys (NM_001166664.2); short protein forms R232K, R324K, R329K.
Identifiers: ClinVar variation 161545 (VCV000161545.2), dbSNP rs193921024, ClinGen allele CA174308.

ClinVar aggregate classification (germline): Uncertain significance (0 of 4 stars; one submission).

Conditions:
Prostate cancer. Also called: Malignant tumor of prostate. Identifiers: Orphanet 1331, MedGen C0376358, MONDO:0008315, HP:0012125.

Submission:

Science for Life laboratory,  Karolinska Institutet
Classification: Uncertain significance for Malignant tumor of prostate. Review status: no assertion criteria provided. Collection method: not provided. Allele origin: somatic.
Comment: TumorID:SWE-6
ClinVar note: Converted during submission from Unknown to Uncertain significance.